The following is an entry in ClinVar:

ClinVar aggregate classification (germline): Likely pathogenic (1 of 4 stars; one submission).

Conditions:
COL6A3-related disorder. Also called: COL6A3-related disorders; COL6A3-related condition.

Submission:

PreventionGenetics, part of Exact Sciences
Classification: Likely pathogenic for COL6A3-related condition. Last evaluated: 2023-08-18. Review status: criteria provided, single submitter. Criteria: ACMG Guidelines, 2015. Collection method: clinical testing. Allele origin: germline.
Comment: The COL6A3 c.5281delG variant is predicted to result in a frameshift and premature protein termination (p.Asp1761Metfs*2). To our knowledge, this variant has not been reported in the literature or in a large population database, indicating this variant is rare. Frameshift variants in COL6A3 are expected to be pathogenic. This variant is interpreted as likely pathogenic.

NM_004369.4(COL6A3):c.5281del (p.Asp1761fs)

Gene: COL6A3 (collagen type VI alpha 3 chain; minus strand). Cytogenetic location: 2q37.3.
Variant type: Deletion.
Coding change: c.5281del on transcript NM_004369.4 (MANE Select); coding-DNA position 5281, one base deleted (G; older notation c.5281delG).
Protein change: p.Asp1761fs; shifts the reading frame from aspartic acid 1761.
Molecular consequence: frameshift variant.
Genome position (GRCh38, 1-based): chr2:237,366,906, C deleted on the plus strand (G on the coding strand, the reverse complement: COL6A3 is on the minus strand); the first of 2 consecutive C bases (chr2:237,366,906-237,366,907); deleting either gives the same sequence. VCF-style (leftmost placement, unchanged base first): chr2-237366905-TC-T. GRCh37 (hg19) VCF-style: chr2-238275548-TC-T.
Other names: c.5281delG (NM_004369.3); c.3460del, p.Asp1154fs (NM_057166.5); c.4663del, p.Asp1555fs (NM_057167.4); short protein forms D1154fs, D1555fs, D1761fs.
Identifiers: ClinVar variation 2629664 (VCV002629664.1), dbSNP rs2469883432, ClinGen allele CA2695197704.